The following is an entry in ClinVar:

NM_000051.4(ATM):c.6807+20_6807+21del

Genes: C11orf65 (chromosome 11 open reading frame 65; minus strand), ATM (ATM serine/threonine kinase; plus strand). Cytogenetic location: 11q22.3.
Variant type: Deletion.
Coding change: c.6807+20_6807+21del on transcript NM_000051.4 (MANE Select); bases 20 to 21 of the intron after coding-DNA position 6807, 2 bases deleted (AT; older notation c.6807+20_6807+21delAT).
Molecular consequence: intron variant.
Genome position (GRCh38, 1-based): chr11:108,325,564-108,325,565, AT deleted; deleting any 2 consecutive bases within chr11:108,325,563-108,325,565 gives the same sequence; the c. name uses the placement nearest the transcript's 3' end. VCF-style (leftmost placement, unchanged base first): chr11-108325562-CTA-C. GRCh37 (hg19) VCF-style: chr11-108196289-CTA-C.
Other names: c.6807+20_6807+21delAT (NM_000051.3); c.6807+20_6807+21del (NM_001351834.2); c.641-16493_641-16492del (NM_001330368.2); c.*38+9656_*38+9657del (NM_001351110.2).
Identifiers: ClinVar variation 490672 (VCV000490672.12), dbSNP rs1555119392, ClinGen allele CA658683734.
Genomic context (GRCh38, chr11:108,325,562, plus strand): 5'-TGTAGAACTCTCTATACTGGCCAGAACTTTCAAGAACACTCAGGTAAATACAATTTAAAA[CTA>C]TGTCATCTTACCTCTTGACTTTCCTTTTATTATTTAAAAAACAGAAAGCCTGAGGGAAAA-3'

ClinVar aggregate classification (germline): Likely benign. Review status: criteria provided, multiple submitters, no conflicts (2 of 4 stars). 3 submissions from 3 submitters: Likely benign (3). Last evaluated 2024-01-03.

Conditions:
Hereditary cancer-predisposing syndrome. Also called: Neoplastic Syndromes, Hereditary; Hereditary Cancer Syndrome; Tumor predisposition; Hereditary neoplastic syndrome. Identifiers: Orphanet 140162, MedGen C0027672, MeSH D009386, MONDO:0015356.
Ataxia-telangiectasia syndrome (AT). Also called: LOUIS-BAR SYNDROME; Cerebello-oculocutaneous telangiectasia; Immunodeficiency with ataxia telangiectasia; Ataxia-telangiectasia, complementation group D; AT, COMPLEMENTATION GROUP C; Ataxia-telangiectasia, complementation group E. Identifiers: Orphanet 100, MedGen C0004135, MONDO:0008840, OMIM 208900.

Submissions (3):

Labcorp Genetics (formerly Invitae), Labcorp
Classification: Likely benign for Ataxia-telangiectasia syndrome. Last evaluated: 2024-01-03. Review status: criteria provided, single submitter. Criteria: Invitae Variant Classification Sherloc (09022015). Collection method: clinical testing. Allele origin: germline.

GeneDx
Classification: Likely benign. Last evaluated: 2017-04-10. Review status: criteria provided, single submitter. Criteria: GeneDx Variant Classification (06012015). Collection method: clinical testing. Allele origin: germline. Affected: yes.
Comment: This variant is considered likely benign or benign based on one or more of the following criteria: it is a conservative change, it occurs at a poorly conserved position in the protein, it is predicted to be benign by multiple in silico algorithms, and/or has population frequency not consistent with disease.

Color Diagnostics, LLC DBA Color Health
Classification: Likely benign for Hereditary cancer-predisposing syndrome. Last evaluated: 2016-07-18. Review status: criteria provided, single submitter. Criteria: ACMG Guidelines, 2015. Collection method: clinical testing. Allele origin: germline.